The following is an entry in ClinVar:

ClinVar aggregate classification (germline): Likely pathogenic. Review status: criteria provided, multiple submitters, no conflicts (2 of 4 stars). 3 submissions from 3 submitters: Likely pathogenic (3). Last evaluated 2023-11-05.

Conditions:
Cardiovascular phenotype. Identifiers: MedGen CN230736.
Dilated cardiomyopathy 1G (CMD1G). Identifiers: Orphanet 154, MedGen C1858763, MONDO:0011400, OMIM 604145.
Autosomal recessive limb-girdle muscular dystrophy type 2J (LGMDR10). Also called: MUSCULAR DYSTROPHY, LIMB-GIRDLE, AUTOSOMAL RECESSIVE 10; Limb-girdle muscular dystrophy, type 2J. Identifiers: Orphanet 140922, MedGen C1837342, MONDO:0012127, OMIM 608807.
Primary dilated cardiomyopathy (DCM). Also called: Dilated Cardiomyopathy. Identifiers: Orphanet 217604, MedGen C0007193, MeSH D002311, MONDO:0005021, HP:0001644. Inheritance: Various modes of inheritance.

Allele frequency attached by ClinVar (database versions not stated): gnomAD exomes below 0.00001.
gnomAD v4.1: 1 of 1,613,790 alleles (0.000062%); highest among the groups gnomAD compares: Non-Finnish European, 0.000085%; no homozygotes.

Submissions (3):

Labcorp Genetics (formerly Invitae), Labcorp
Classification: Likely pathogenic for Dilated cardiomyopathy 1G; Autosomal recessive limb-girdle muscular dystrophy type 2J. Last evaluated: 2023-11-05. Review status: criteria provided, single submitter. Criteria: Invitae Variant Classification Sherloc (09022015). Collection method: clinical testing. Allele origin: germline.
Comment: This sequence change creates a premature translational stop signal (p.Glu4578*) in the TTN gene. While this is not anticipated to result in nonsense mediated decay, it is expected to create a truncated TTN protein. This variant is not present in population databases (gnomAD no frequency). This variant has not been reported in the literature in individuals affected with TTN-related conditions. ClinVar contains an entry for this variant (Variation ID: 1809797). This variant is located in the I band of TTN (PMID: 25589632). Truncating variants in this region have been reported in individuals affected with autosomal recessive centronuclear myopathy (PMID: 23975875). Truncating variants in this region have also been identified in individuals affected with autosomal dominant dilated cardiomyopathy and/or cardio-related conditions (PMID: 27869827, 32964742). In summary, the currently available evidence indicates that the variant is pathogenic, but additional data are needed to prove that conclusively. Therefore, this variant has been classified as Likely Pathogenic.

Center for Human Genetics, University of Leuven
Classification: Likely pathogenic for Primary dilated cardiomyopathy. Last evaluated: 2022-12-31. Review status: criteria provided, single submitter. Criteria: ACMG Guidelines, 2015. Collection method: clinical testing. Allele origin: germline. Affected: yes.

Molecular Diagnostic Laboratory for Inherited Cardiovascular Disease, Montreal Heart Institute
Classification: Likely pathogenic for Cardiovascular phenotype. Last evaluated: 2022-06-15. Review status: criteria provided, single submitter. Criteria: ACMG Guidelines, 2015. Collection method: clinical testing. Allele origin: germline. Affected: yes.

Literature cited by the submitters: PubMed 25589632 (cited by Labcorp Genetics (formerly Invitae), Labcorp); PubMed 23975875 (cited by Labcorp Genetics (formerly Invitae), Labcorp); PubMed 27869827 (cited by Labcorp Genetics (formerly Invitae), Labcorp); PubMed 32964742 (cited by Labcorp Genetics (formerly Invitae), Labcorp).

NM_001267550.2(TTN):c.13732G>T (p.Glu4578Ter)

Gene: TTN (titin; minus strand). Cytogenetic location: 2q31.2.
Variant type: single nucleotide variant.
Coding change: c.13732G>T on transcript NM_001267550.2 (MANE Select); coding-DNA position 13732, G replaced by T.
Protein change: p.Glu4578Ter; replaces glutamic acid 4578 with a stop codon.
Molecular consequence: nonsense. On other transcripts: intron variant (1).
Genome position (GRCh38, 1-based): chr2:178,739,501, C>A on the plus strand (G>T on the coding strand, the complement: TTN is on the minus strand). VCF-style: chr2-178739501-C-A. GRCh37 (hg19) VCF-style: chr2-179604228-C-A.
Other names: c.12781G>T, p.Glu4261Ter (NM_001256850.1); c.12643G>T, p.Glu4215Ter (NM_003319.4); c.13018G>T, p.Glu4340Ter (NM_133432.3); c.13219G>T, p.Glu4407Ter (NM_133437.4); c.10361-1141G>T (NM_133378.4); short protein forms E4215*, E4261*, E4340*, E4407*, E4578*.
Identifiers: ClinVar variation 1809797 (VCV001809797.5), dbSNP rs2530607571, ClinGen allele CA349606699.